The following is an entry in ClinVar:

NM_001164508.2(NEB):c.22109C>G (p.Pro7370Arg)

Genes: NEB (nebulin; minus strand), RIF1 (replication timing regulatory factor 1; plus strand). Cytogenetic location: 2q23.3.
Variant type: single nucleotide variant.
Coding change: c.22109C>G on transcript NM_001164508.2 (MANE Select); coding-DNA position 22109, C replaced by G.
Protein change: p.Pro7370Arg; replaces proline 7370 with arginine.
Molecular consequence: missense variant.
Genome position (GRCh38, 1-based): chr2:151,526,010, G>C on the plus strand (C>G on the coding strand, the complement: NEB is on the minus strand). VCF-style: chr2-151526010-G-C. GRCh37 (hg19) VCF-style: chr2-152382524-G-C.
Other names: c.22109C>G, p.Pro7370Arg (NM_001164507.2); c.22214C>G, p.Pro7405Arg (NM_001271208.2); c.17006C>G, p.Pro5669Arg (NM_004543.5); short protein forms P7405R, P7370R, P5669R.
Identifiers: ClinVar variation 2275348 (VCV002275348.6), dbSNP rs766467431, ClinGen allele CA1906772.

ClinVar aggregate classification (germline): Conflicting classifications of pathogenicity. Review status: criteria provided, conflicting classifications (1 of 4 stars). 3 submissions from 3 submitters: Uncertain significance (2); Likely benign (1). Last evaluated 2025-04-11.

Conditions:
Inborn genetic diseases. Identifiers: MedGen C0950123, MeSH D030342.
Nemaline myopathy 2 (NEM2). Also called: Nemaline myopathy 2, autosomal recessive. Identifiers: MedGen C1850569, MONDO:0009725, OMIM 256030.

Allele frequency attached by ClinVar (database versions not stated): gnomAD exomes 0.00002; gnomAD 0.00003; TOPMed 0.00003; ExAC 0.00002.
gnomAD v4.1: 14 of 1,613,892 alleles (0.00087%); highest among the groups gnomAD compares: Non-Finnish European, 0.000085%; no homozygotes.

Submissions (3):

Labcorp Genetics (formerly Invitae), Labcorp
Classification: Likely benign for Nemaline myopathy 2. Last evaluated: 2025-04-11. Review status: criteria provided, single submitter. Criteria: Invitae Variant Classification Sherloc (09022015). Collection method: clinical testing. Allele origin: germline.

GeneDx
Classification: Uncertain significance. Last evaluated: 2023-12-10. Review status: criteria provided, single submitter. Criteria: GeneDx Variant Classification Process June 2021. Collection method: clinical testing. Allele origin: germline. Affected: yes.
Comment: In silico analysis supports that this missense variant has a deleterious effect on protein structure/function; Has not been previously published as pathogenic or benign to our knowledge

Ambry Genetics
Classification: Uncertain significance for Inborn genetic diseases. Last evaluated: 2022-02-03. Review status: criteria provided, single submitter. Criteria: Ambry Variant Classification Scheme 2023. Collection method: clinical testing. Allele origin: germline.